The following is an entry in ClinVar:

NM_024809.5(TCTN2):c.2034C>T (p.Phe678=)

Gene: TCTN2 (tectonic family member 2; plus strand). Cytogenetic location: 12q24.31.
Variant type: single nucleotide variant.
Coding change: c.2034C>T on transcript NM_024809.5 (MANE Select); coding-DNA position 2034, C replaced by T.
Protein change: p.Phe678=; no amino-acid change (phenylalanine 678 retained).
Molecular consequence: synonymous variant.
Genome position (GRCh38, 1-based): chr12:123,707,653, C>T. VCF-style: chr12-123707653-C-T. GRCh37 (hg19) VCF-style: chr12-124192200-C-T.
Other names: c.2031C>T, p.Phe677= (NM_001143850.3); c.1899C>T, p.Phe633= (NM_001410989.1).
Identifiers: ClinVar variation 1901854 (VCV001901854.30), dbSNP rs375061429, ClinGen allele CA6861424.

ClinVar aggregate classification (germline): Likely benign. Review status: criteria provided, multiple submitters, no conflicts (2 of 4 stars). 3 submissions from 3 submitters: Likely benign (3). Last evaluated 2023-09-01.

Conditions:
Joubert syndrome. Also called: JOUBERT-BOLTSHAUSER SYNDROME; Familial aplasia of the vermis. Identifiers: Orphanet 475, MedGen C5979921, MONDO:0018772.
Meckel-Gruber syndrome. Also called: GRUBER SYNDROME; DYSENCEPHALIA SPLANCHNOCYSTICA; Dysencephalia splachnocystica. Identifiers: Orphanet 564, MedGen C0265215, MONDO:0018921.

Allele frequency attached by ClinVar (database versions not stated): gnomAD exomes below 0.00001; ExAC 0.00002; gnomAD 0.00002; TOPMed 0.00003; ESP Exome Variant Server 0.00008.
gnomAD v4.1: 10 of 1,614,054 alleles (0.00062%); highest among the groups gnomAD compares: African/African-American, 0.012%; no homozygotes.

Submissions (3):

CeGaT Center for Human Genetics Tuebingen
Classification: Likely benign. Last evaluated: 2023-09-01. Review status: criteria provided, single submitter. Criteria: CeGaT Center For Human Genetics Tuebingen Variant Classification Criteria Version 2. Collection method: clinical testing. Allele origin: germline. Affected: yes. Observed: 1 variant allele.
Comment: TCTN2: BP4

Labcorp Genetics (formerly Invitae), Labcorp
Classification: Likely benign for Joubert syndrome; Meckel-Gruber syndrome. Last evaluated: 2023-06-14. Review status: criteria provided, single submitter. Criteria: Invitae Variant Classification Sherloc (09022015). Collection method: clinical testing. Allele origin: germline.

Blueprint Genetics
Classification: Likely benign. Last evaluated: 2020-08-11. Review status: criteria provided, single submitter. Criteria: ACMG Guidelines, 2015. Collection method: clinical testing. Allele origin: germline.